The following is an entry in ClinVar:

NM_024422.6(DSC2):c.1239del (p.Asn413fs)

Gene: DSC2 (desmocollin 2; minus strand). Cytogenetic location: 18q12.1.
Variant type: Deletion.
Coding change: c.1239del on transcript NM_024422.6 (MANE Select); coding-DNA position 1239, one base deleted (T; older notation c.1239delT).
Protein change: p.Asn413fs; shifts the reading frame from asparagine 413.
Molecular consequence: frameshift variant.
Genome position (GRCh38, 1-based): chr18:31,082,262, A deleted on the plus strand (T on the coding strand, the reverse complement: DSC2 is on the minus strand). VCF-style (leftmost placement, unchanged base first): chr18-31082261-CA-C. GRCh37 (hg19) VCF-style: chr18-28662227-CA-C.
Other names: c.1239del, p.Asn413fs (NM_004949.5); short protein forms N413fs.
Identifiers: ClinVar variation 1694869 (VCV001694869.31), dbSNP rs2144818920, ClinGen allele CA2580095569.

ClinVar aggregate classification (germline): Pathogenic (1 of 4 stars; one submission).

Submission:

CeGaT Center for Human Genetics Tuebingen
Classification: Pathogenic. Last evaluated: 2026-08-01. Review status: criteria provided, single submitter. Criteria: CeGaT Center For Human Genetics Tuebingen Variant Classification Criteria Version 2. Collection method: clinical testing. Allele origin: germline. Affected: yes. Observed: 3 variant alleles.
Comment: DSC2: PVS1, PM2